The following is an entry in ClinVar:

ClinVar aggregate classification (germline): Uncertain significance (1 of 4 stars; one submission).

Conditions:
Aicardi-Goutieres syndrome 5. Identifiers: Orphanet 51, MedGen C2749659, MONDO:0013059, OMIM 612952.

Allele frequency attached by ClinVar (database versions not stated): TOPMed below 0.00001; gnomAD 0.00001; gnomAD exomes 0.00001; ExAC 0.00002.
gnomAD v4.1: 13 of 1,613,954 alleles (0.00081%); highest among the groups gnomAD compares: Non-Finnish European, 0.0011%; no homozygotes.

Submission:

Labcorp Genetics (formerly Invitae), Labcorp
Classification: Uncertain significance for Aicardi-Goutieres syndrome 5. Last evaluated: 2022-09-13. Review status: criteria provided, single submitter. Criteria: Invitae Variant Classification Sherloc (09022015). Collection method: clinical testing. Allele origin: germline.
Comment: This sequence change replaces methionine, which is neutral and non-polar, with valine, which is neutral and non-polar, at codon 626 of the SAMHD1 protein (p.Met626Val). This variant is present in population databases (rs767155031, gnomAD 0.003%). This variant has not been reported in the literature in individuals affected with SAMHD1-related conditions. Algorithms developed to predict the effect of missense changes on protein structure and function output the following: SIFT: "Tolerated"; PolyPhen-2: "Benign"; Align-GVGD: "Class C0". The valine amino acid residue is found in multiple mammalian species, which suggests that this missense change does not adversely affect protein function. In summary, the available evidence is currently insufficient to determine the role of this variant in disease. Therefore, it has been classified as a Variant of Uncertain Significance.

NM_015474.4(SAMHD1):c.1876A>G (p.Met626Val)

Genes: SAMHD1 (SAM and HD domain containing deoxynucleoside triphosphate triphosphohydrolase 1; minus strand), TLDC2 (TBC/LysM-associated domain containing 2; plus strand). Cytogenetic location: 20q11.23.
Variant type: single nucleotide variant.
Coding change: c.1876A>G on transcript NM_015474.4 (MANE Select); coding-DNA position 1876, A replaced by G.
Protein change: p.Met626Val; replaces methionine 626 with valine.
Molecular consequence: missense variant. On other transcripts: 3 prime UTR variant (3).
Genome position (GRCh38, 1-based): chr20:36,892,937, T>C on the plus strand (A>G on the coding strand, the complement: SAMHD1 is on the minus strand). VCF-style: chr20-36892937-T-C. GRCh37 (hg19) VCF-style: chr20-35521340-T-C.
Other names: c.*93T>C (NM_001304783.1, NM_080628.3); c.1771A>G, p.Met591Val (NM_001363729.2); c.*969A>G (NM_001363733.2); short protein forms M591V, M626V.
Identifiers: ClinVar variation 2164165 (VCV002164165.1), dbSNP rs767155031, ClinGen allele CA9844397.